The following is an entry in ClinVar:

NM_024721.5(ZFHX4):c.9125A>T (p.Gln3042Leu)

Gene: ZFHX4 (zinc finger homeobox 4; plus strand). Cytogenetic location: 8q21.13.
Variant type: single nucleotide variant.
Coding change: c.9125A>T on transcript NM_024721.5 (MANE Select); coding-DNA position 9125, A replaced by T.
Protein change: p.Gln3042Leu; replaces glutamine 3042 with leucine.
Molecular consequence: missense variant.
Genome position (GRCh38, 1-based): chr8:76,856,046, A>T. VCF-style: chr8-76856046-A-T. GRCh37 (hg19) VCF-style: chr8-77768282-A-T.
Other names: c.9047A>T, p.Gln3016Leu (NM_001410934.1); short protein forms Q3016L, Q3042L.
Identifiers: ClinVar variation 4074640 (VCV004074640.2).

ClinVar aggregate classification (germline): Uncertain significance (1 of 4 stars; one submission).

Submission:

GeneDx
Classification: Uncertain significance. Last evaluated: 2026-01-16. Review status: criteria provided, single submitter. Criteria: GeneDx Variant Classification Process June 2021. Collection method: clinical testing. Allele origin: germline.
Comment: Not observed at significant frequency in large population cohorts (gnomAD); In silico analysis supports that this missense variant has a deleterious effect on protein structure/function; Has not been previously published as pathogenic or benign to our knowledge